The following is an entry in ClinVar:

ClinVar aggregate classification (germline): Uncertain significance (1 of 4 stars; one submission).

Conditions:
DICER1-related tumor predisposition. Also called: DICER1 syndrome; DICER1-related pleuropulmonary blastoma cancer predisposition syndrome. Identifiers: Orphanet 284343, MedGen C3839822, MONDO:0100216.

Submission:

Labcorp Genetics (formerly Invitae), Labcorp
Classification: Uncertain significance for DICER1-related tumor predisposition. Last evaluated: 2022-08-03. Review status: criteria provided, single submitter. Criteria: Invitae Variant Classification Sherloc (09022015). Collection method: clinical testing. Allele origin: germline.
Comment: This sequence change replaces glutamine, which is neutral and polar, with histidine, which is basic and polar, at codon 747 of the DICER1 protein (p.Gln747His). This variant is not present in population databases (gnomAD no frequency). This variant has not been reported in the literature in individuals affected with DICER1-related conditions. In summary, the available evidence is currently insufficient to determine the role of this variant in disease. Therefore, it has been classified as a Variant of Uncertain Significance. Algorithms developed to predict the effect of missense changes on protein structure and function are either unavailable or do not agree on the potential impact of this missense change (SIFT: "Deleterious"; PolyPhen-2: "Probably Damaging"; Align-GVGD: "Class C15").

NM_177438.3(DICER1):c.2241G>C (p.Gln747His)

Gene: DICER1 (dicer 1, ribonuclease III; minus strand). Cytogenetic location: 14q32.13.
Variant type: single nucleotide variant.
Coding change: c.2241G>C on transcript NM_177438.3 (MANE Select); coding-DNA position 2241, G replaced by C.
Protein change: p.Gln747His; replaces glutamine 747 with histidine.
Molecular consequence: missense variant. On other transcripts: non-coding transcript variant (6).
Genome position (GRCh38, 1-based): chr14:95,111,332, C>G on the plus strand (G>C on the coding strand, the complement: DICER1 is on the minus strand). VCF-style: chr14-95111332-C-G. GRCh37 (hg19) VCF-style: chr14-95577669-C-G.
Other names: c.2241G>C, p.Gln747His (NM_001271282.3, NM_001291628.2, NM_001395677.1 and 13 more transcripts); c.1959G>C, p.Gln653His (NM_001395686.1); c.1836G>C, p.Gln612His (NM_001395687.1, NM_001395688.1, NM_001395689.1 and 3 more transcripts); c.1674G>C, p.Gln558His (NM_001395691.1); c.558G>C, p.Gln186His (NM_001395697.1); short protein forms Q186H, Q558H, Q612H, Q653H, Q747H.
Identifiers: ClinVar variation 1714933 (VCV001714933.6), dbSNP rs764781000, ClinGen allele CA390882497.